The following is an entry in ClinVar:

ClinVar aggregate classification (germline): Conflicting classifications of pathogenicity. Review status: criteria provided, conflicting classifications (1 of 4 stars). 2 submissions from 2 submitters: Uncertain significance (1); Likely benign (1). Last evaluated 2025-09-17.

Conditions:
Cardiovascular phenotype. Identifiers: MedGen CN230736.
Familial hypobetalipoproteinemia 1. Also called: APOB-Related Familial Hypobetalipoproteinemia; Hypobetalipoproteinemia, normotriglyceridemic; Acanthocytosis with hypobetalipoproteinemia. Identifiers: MedGen C4551990, MONDO:0014252, OMIM 615558.
Hypercholesterolemia, autosomal dominant, type B (FHCL2). Also called: Familial Hypercholesterolemia Type B; APOLIPOPROTEIN B-100, FAMILIAL DEFECTIVE; APOLIPOPROTEIN B-100, FAMILIAL LIGAND-DEFECTIVE; HYPERCHOLESTEROLEMIA, FAMILIAL, DUE TO LIGAND-DEFECTIVE APOLIPOPROTEIN B; Hyperlipoproteinemia Type IIb; Familial hypercholesterolemia 2. Identifiers: MedGen C1704417, MONDO:0007751, OMIM 144010.

gnomAD v4.1: 4 of 1,613,952 alleles (0.00025%); highest among the groups gnomAD compares: Admixed American, 0.0017%; no homozygotes.

Submissions (2):

Labcorp Genetics (formerly Invitae), Labcorp
Classification: Likely benign for Familial hypobetalipoproteinemia 1; Hypercholesterolemia, autosomal dominant, type B. Last evaluated: 2025-09-17. Review status: criteria provided, single submitter. Criteria: Invitae Variant Classification Sherloc (09022015). Collection method: clinical testing. Allele origin: germline.

Ambry Genetics
Classification: Uncertain significance for Cardiovascular phenotype. Last evaluated: 2025-03-31. Review status: criteria provided, single submitter. Criteria: Ambry Variant Classification Scheme 2023. Collection method: clinical testing. Allele origin: germline.
Comment: The p.S3151C variant (also known as c.9452C>G), located in coding exon 26 of the APOB gene, results from a C to G substitution at nucleotide position 9452. The serine at codon 3151 is replaced by cysteine, an amino acid with dissimilar properties. This amino acid position is conserved. In addition, this alteration is predicted to be tolerated by in silico analysis. Based on the available evidence, the clinical significance of this variant remains unclear.

NM_000384.3(APOB):c.9452C>G (p.Ser3151Cys)

Gene: APOB (apolipoprotein B; minus strand). Cytogenetic location: 2p24.1.
Variant type: single nucleotide variant.
Coding change: c.9452C>G on transcript NM_000384.3 (MANE Select); coding-DNA position 9452, C replaced by G.
Protein change: p.Ser3151Cys; replaces serine 3151 with cysteine.
Molecular consequence: missense variant.
Genome position (GRCh38, 1-based): chr2:21,007,416, G>C on the plus strand (C>G on the coding strand, the complement: APOB is on the minus strand). VCF-style: chr2-21007416-G-C. GRCh37 (hg19) VCF-style: chr2-21230288-G-C.
Other names: c.9452C>G (NM_000384.2); short protein forms S3151C.
Identifiers: ClinVar variation 2946050 (VCV002946050.4), dbSNP rs560928668, ClinGen allele CA345989995.
Genomic context (GRCh38, chr2:21,007,416, plus strand): 5'-AAATCAAATGATTGCTTTGTCGTTTTCAAGAATTCCTTCAAGCCTGTTTTTTCCCATAGA[G>C]AGAAATCTTTCAGTGGAGGAGTTGTGATTATTGTGTAAGGTAGACGCATTTCAGGAATTG-3'
Protein context (NP_000375.3, residues 3141-3161): IITTPPLKDF[Ser3151Cys]LWEKTGLKEF